The following is an entry in ClinVar:

NM_015466.4(PTPN23):c.3515G>A (p.Arg1172Gln)

Gene: PTPN23 (protein tyrosine phosphatase non-receptor type 23; plus strand). Cytogenetic location: 3p21.31.
Variant type: single nucleotide variant.
Coding change: c.3515G>A on transcript NM_015466.4 (MANE Select); coding-DNA position 3515, G replaced by A.
Protein change: p.Arg1172Gln; replaces arginine 1172 with glutamine.
Molecular consequence: missense variant.
Genome position (GRCh38, 1-based): chr3:47,411,313, G>A. VCF-style: chr3-47411313-G-A. GRCh37 (hg19) VCF-style: chr3-47452803-G-A.
Other names: c.3137G>A, p.Arg1046Gln (NM_001304482.2); c.3515G>A (NM_015466.2); short protein forms R1172Q, R1046Q.
Identifiers: ClinVar variation 1516281 (VCV001516281.5), dbSNP rs139178679, ClinGen allele CA2366297.
Genomic context (GRCh38, chr3:47,411,313, plus strand): 5'-GTCGGCCGCAGGCCCTGCGGCTGATTGAGCGGGACCCCTATGAGCATCCTGAGAGGCTGC[G>A]GCAGTTGCAGCAGGAGCTGGAGGCCTTTCGGGGTCAGCTGGGGGATGTGGGAGCTCTGGA-3'
Protein context (NP_056281.1, residues 1162-1182): RDPYEHPERL[Arg1172Gln]QLQQELEAFR

ClinVar aggregate classification (germline): Conflicting classifications of pathogenicity. Review status: criteria provided, conflicting classifications (1 of 4 stars). 2 submissions from 2 submitters: Uncertain significance (1); Likely benign (1). Last evaluated 2024-01-19.

Conditions:
Inborn genetic diseases. Identifiers: MedGen C0950123, MeSH D030342.

Allele frequency attached by ClinVar (database versions not stated): gnomAD 0.00007 and 0.00009; gnomAD exomes 0.00007 and 0.00011; ExAC 0.00009; TOPMed 0.00010; ESP Exome Variant Server 0.00015.
gnomAD v4.1: 126 of 1,612,546 alleles (0.0078%); highest among the groups gnomAD compares: Non-Finnish European, 0.0038%; 1 homozygote.

Submissions (2):

Labcorp Genetics (formerly Invitae), Labcorp
Classification: Uncertain significance. Last evaluated: 2024-01-19. Review status: criteria provided, single submitter. Criteria: Invitae Variant Classification Sherloc (09022015). Collection method: clinical testing. Allele origin: germline.
Comment: This sequence change replaces arginine, which is basic and polar, with glutamine, which is neutral and polar, at codon 1172 of the PTPN23 protein (p.Arg1172Gln). This variant is present in population databases (rs139178679, gnomAD 0.2%). This variant has not been reported in the literature in individuals affected with PTPN23-related conditions. ClinVar contains an entry for this variant (Variation ID: 1516281). Algorithms developed to predict the effect of missense changes on protein structure and function output the following: SIFT: "Not Available"; PolyPhen-2: "Benign"; Align-GVGD: "Not Available". The glutamine amino acid residue is found in multiple mammalian species, which suggests that this missense change does not adversely affect protein function. In summary, the available evidence is currently insufficient to determine the role of this variant in disease. Therefore, it has been classified as a Variant of Uncertain Significance.

Ambry Genetics
Classification: Likely benign for Inborn genetic diseases. Last evaluated: 2022-01-31. Review status: criteria provided, single submitter. Criteria: Ambry Variant Classification Scheme 2023. Collection method: clinical testing. Allele origin: germline.